The following is an entry in ClinVar:

NM_000030.3(AGXT):c.567C>T (p.Gly189=)

Gene: AGXT (alanine--glyoxylate aminotransferase; plus strand). Cytogenetic location: 2q37.3.
Variant type: single nucleotide variant.
Coding change: c.567C>T on transcript NM_000030.3 (MANE Select); coding-DNA position 567, C replaced by T.
Protein change: p.Gly189=; no amino-acid change (glycine 189 retained).
Molecular consequence: synonymous variant.
Genome position (GRCh38, 1-based): chr2:240,873,021, C>T. VCF-style: chr2-240873021-C-T. GRCh37 (hg19) VCF-style: chr2-241812438-C-T.
Identifiers: ClinVar variation 725387 (VCV000725387.18), dbSNP rs373612587, ClinGen allele CA2209130.

ClinVar aggregate classification (germline): Conflicting classifications of pathogenicity. Review status: criteria provided, conflicting classifications (1 of 4 stars). 5 submissions from 5 submitters: Uncertain significance (1); Likely benign (2). 2 of the submissions do not count toward it. Last evaluated 2026-01-28.

Conditions:
Primary hyperoxaluria, type I (HP1). Also called: OXALOSIS I; Primary hyperoxaluria type 1; GLYCOLIC ACIDURIA; HEPATIC AGT DEFICIENCY. Identifiers: Orphanet 416, Orphanet 93598, MedGen C0268164, MONDO:0009823, OMIM 259900. Disease mechanism: loss of function.
AGXT-related disorder. Also called: AGXT-related condition.

Allele frequency attached by ClinVar (database versions not stated): gnomAD exomes 0.00005 and 0.00008; ESP Exome Variant Server 0.00008; ExAC 0.00010; TOPMed 0.00017.
gnomAD v4.1: 83 of 1,613,876 alleles (0.0051%); highest among the groups gnomAD compares: Middle Eastern, 0.033%; no homozygotes.

Submissions (5):

Labcorp Genetics (formerly Invitae), Labcorp
Classification: Likely benign. Last evaluated: 2026-01-28. Review status: criteria provided, single submitter. Criteria: Invitae Variant Classification Sherloc (09022015). Collection method: clinical testing. Allele origin: germline.

Blueprint Genetics
Classification: Likely benign. Last evaluated: 2024-09-02. Review status: criteria provided, single submitter. Criteria: ACMG Guidelines, 2015. Collection method: clinical testing. Allele origin: germline.

Illumina Laboratory Services, Illumina
Classification: Uncertain significance for Primary hyperoxaluria, type I. Last evaluated: 2018-01-12. Review status: criteria provided, single submitter. Criteria: ICSL Variant Classification Criteria 13 December 2019. Collection method: clinical testing. Allele origin: germline.

PreventionGenetics, part of Exact Sciences
Classification: Likely benign for AGXT-related condition. Last evaluated: 2022-08-22. Review status: no assertion criteria provided. Collection method: clinical testing. Allele origin: germline. Not counted in ClinVar's aggregate classification.
Comment: This variant is classified as likely benign based on ACMG/AMP sequence variant interpretation guidelines (Richards et al. 2015 PMID: 25741868, with internal and published modifications).

Natera, Inc.
Classification: Uncertain significance for Primary hyperoxaluria type I. Last evaluated: 2020-01-17. Review status: no assertion criteria provided. Collection method: clinical testing. Allele origin: germline. Not counted in ClinVar's aggregate classification.